The following is an entry in ClinVar:

NM_001267550.2(TTN):c.23939-1G>T

Gene: TTN (titin; minus strand). Cytogenetic location: 2q31.2.
Variant type: single nucleotide variant.
Coding change: c.23939-1G>T on transcript NM_001267550.2 (MANE Select); the canonical splice acceptor site of the intron before coding-DNA position 23939, G replaced by T.
Molecular consequence: splice acceptor variant. On other transcripts: intron variant (3).
Genome position (GRCh38, 1-based): chr2:178,719,452, C>A on the plus strand (G>T on the coding strand, the complement: TTN is on the minus strand). VCF-style: chr2-178719452-C-A. GRCh37 (hg19) VCF-style: chr2-179584179-C-A.
Other names: c.13282+18630G>T (NM_003319.4); c.13858+18630G>T (NM_133437.4); c.13657+18630G>T (NM_133432.3); c.20207-1G>T (NM_133378.4); c.22988-1G>T (NM_001256850.1).
Identifiers: ClinVar variation 1977054 (VCV001977054.5), dbSNP rs2529297088, ClinGen allele CA349503793.

ClinVar aggregate classification (germline): Likely pathogenic (1 of 4 stars; one submission).

Conditions:
Dilated cardiomyopathy 1G (CMD1G). Identifiers: Orphanet 154, MedGen C1858763, MONDO:0011400, OMIM 604145.
Autosomal recessive limb-girdle muscular dystrophy type 2J (LGMDR10). Also called: Limb-girdle muscular dystrophy, type 2J; MUSCULAR DYSTROPHY, LIMB-GIRDLE, AUTOSOMAL RECESSIVE 10. Identifiers: Orphanet 140922, MedGen C1837342, MONDO:0012127, OMIM 608807.

Allele frequency attached by ClinVar (database versions not stated): gnomAD exomes below 0.00001.
gnomAD v4.1: 4 of 1,610,464 alleles (0.00025%); highest among the groups gnomAD compares: Non-Finnish European, 0.00025%; no homozygotes.

Submission:

Labcorp Genetics (formerly Invitae), Labcorp
Classification: Likely pathogenic for Dilated cardiomyopathy 1G; Autosomal recessive limb-girdle muscular dystrophy type 2J. Last evaluated: 2024-10-18. Review status: criteria provided, single submitter. Criteria: Invitae Variant Classification Sherloc (09022015). Collection method: clinical testing. Allele origin: germline.
Comment: This sequence change affects an acceptor splice site in intron 82 of the TTN gene. It is expected to disrupt RNA splicing and likely results in a truncated or disrupted TTN protein. This variant is not present in population databases (gnomAD no frequency). This variant has not been reported in the literature in individuals affected with TTN-related conditions. ClinVar contains an entry for this variant (Variation ID: 1977054). Algorithms developed to predict the effect of sequence changes on RNA splicing suggest that this variant may disrupt the consensus splice site. This variant is located in the I band of TTN (PMID: 25589632). Truncating variants in this region have been reported in individuals affected with autosomal recessive centronuclear myopathy (PMID: 23975875, internal data). Truncating variants in this region have also been identified in individuals affected with autosomal dominant dilated cardiomyopathy and/or cardio-related conditions (PMID: 27869827, 32964742, internal data). In summary, the currently available evidence indicates that the variant is pathogenic, but additional data are needed to prove that conclusively. Therefore, this variant has been classified as Likely Pathogenic.

Literature cited by the submitters: PubMed 25589632; PubMed 23975875; PubMed 27869827; PubMed 32964742.